The following is an entry in ClinVar:

NM_001127511.3(APC):c.153G>T (p.Ala51=)

Gene: APC (APC regulator of Wnt signaling pathway; plus strand). Cytogenetic location: 5q22.2.
Variant type: single nucleotide variant.
Coding change: c.153G>T on transcript NM_001127511.3; coding-DNA position 153, G replaced by T.
Protein change: p.Ala51=; no amino-acid change (alanine 51 retained).
Molecular consequence: synonymous variant. On other transcripts: 5 prime UTR variant (8), non-coding transcript variant (1), intron variant (5).
Genome position (GRCh38, 1-based): chr5:112,707,870, G>T. VCF-style: chr5-112707870-G-T. GRCh37 (hg19) VCF-style: chr5-112043567-G-T.
Other names: c.-31G>T (NM_001354895.2, NM_001407447.1, NM_001407452.1 and 3 more transcripts); c.153G>T, p.Ala51= (NM_001354897.2, NM_001354902.2, NM_001407446.1); c.-1066G>T (NM_001407470.1, NM_001407472.1); c.-19+221G>T (NM_001407448.1, NM_001407450.1, NM_001407457.1 and 1 more transcripts); c.-43+221G>T (NM_001407453.1).
Identifiers: ClinVar variation 1021663 (VCV001021663.9), dbSNP rs1750617341, ClinGen allele CA1573442800.

ClinVar aggregate classification (germline): Uncertain significance (1 of 4 stars; one submission).

Conditions:
Familial adenomatous polyposis 1 (FAP1). Also called: FAMILIAL ADENOMATOUS POLYPOSIS 1, ATTENUATED; POLYPOSIS, ADENOMATOUS INTESTINAL. Identifiers: MedGen C2713442, MONDO:0021056, OMIM 175100. Disease mechanism: loss of function.

Submission:

Labcorp Genetics (formerly Invitae), Labcorp
Classification: Uncertain significance for Familial adenomatous polyposis 1. Last evaluated: 2019-04-19. Review status: criteria provided, single submitter. Criteria: Invitae Variant Classification Sherloc (09022015). Collection method: clinical testing. Allele origin: germline.
Comment: This variant occurs in a non-coding region of the APC gene. It does not change the encoded amino acid sequence of the APC protein. In summary, the available evidence is currently insufficient to determine the role of this variant in disease. Therefore, it has been classified as a Variant of Uncertain Significance. Experimental studies and prediction algorithms are not available for this variant, and the functional significance of this non-coding change is currently unknown. This variant has not been reported in the literature in individuals with APC-related conditions. The frequency data for this variant in the population databases is considered unreliable, as metrics indicate insufficient coverage at this position in the ExAC database.